The following is an entry in ClinVar:

NM_004999.4(MYO6):c.595C>T (p.Arg199Cys)

Gene: MYO6 (myosin VI; plus strand). Cytogenetic location: 6q14.1.
Variant type: single nucleotide variant.
Coding change: c.595C>T on transcript NM_004999.4 (MANE Select); coding-DNA position 595, C replaced by T.
Protein change: p.Arg199Cys; replaces arginine 199 with cysteine.
Molecular consequence: missense variant. On other transcripts: non-coding transcript variant (2).
Genome position (GRCh38, 1-based): chr6:75,840,626, C>T. VCF-style: chr6-75840626-C-T. GRCh37 (hg19) VCF-style: chr6-76550343-C-T.
Other names: c.595C>T, p.Arg199Cys (NM_001300899.2, NM_001368136.1, NM_001368137.1 and 4 more transcripts); c.580C>T, p.Arg194Cys (NM_001368138.1); short protein forms R194C, R199C.
Identifiers: ClinVar variation 4980270 (VCV004980270.1).

ClinVar aggregate classification (germline): Uncertain significance (1 of 4 stars; one submission).

Conditions:
MYO6-related disorder. Also called: MYO6-related disorders; MYO6-related condition.

gnomAD v4.1: 51 of 1,613,686 alleles (0.0032%); highest among the groups gnomAD compares: South Asian, 0.0055%; no homozygotes.

Submission:

PreventionGenetics, part of Exact Sciences
Classification: Uncertain significance for MYO6-related condition. Last evaluated: 2025-01-08. Review status: criteria provided, single submitter. Criteria: ACMG Guidelines, 2015. Collection method: clinical testing. Allele origin: germline.
Comment: The MYO6 c.595C>T variant is predicted to result in the amino acid substitution p.Arg199Cys. This variant has been reported in both affected and control individuals in a genome-wide association meta-analysis of hearing loss (Supplementary Data 9, Praveen et al. 2022. PubMed ID: 35661827). This variant is reported in 0.013% of alleles in individuals of South Asian descent in gnomAD. At this time, the clinical significance of this variant is uncertain due to the absence of conclusive functional and genetic evidence.